The following is an entry in ClinVar:

ClinVar aggregate classification (germline): Benign. Review status: criteria provided, multiple submitters, no conflicts (2 of 4 stars). 3 submissions from 3 submitters: Benign (3). Last evaluated 2024-01-24.

Allele frequency attached by ClinVar (database versions not stated): 1000 Genomes Project 0.37939; ExAC 0.43499; TOPMed 0.38988; 1000 Genomes Project 30x 0.38054; ESP Exome Variant Server 0.39989; gnomAD exomes 0.43191.
gnomAD v4.1: 709,447 of 1,610,770 alleles (44%); highest among the groups gnomAD compares: South Asian, 51%; 158,311 homozygotes.

Submissions (3):

Unidad de Genómica Garrahan, Hospital de Pediatría Garrahan
Classification: Benign. Last evaluated: 2024-01-24. Review status: criteria provided, single submitter. Criteria: ACMG Guidelines, 2015. Collection method: clinical testing. Allele origin: germline. Affected: no. Observed: 62 variant alleles.
Comment: This variant is classified as Benign based on local population frequency. This variant was detected in 65% of patients studied by a panel of primary immunodeficiencies. Number of patients: 62. Only high quality variants are reported.

GeneDx
Classification: Benign. Last evaluated: 2018-11-10. Review status: criteria provided, single submitter. Criteria: GeneDx Variant Classification Process June 2021. Collection method: clinical testing. Allele origin: germline. Affected: yes.

Breakthrough Genomics
Classification: Benign. Review status: criteria provided, single submitter. Criteria: ACMG Guidelines, 2015. Collection method: not provided. Allele origin: germline. Inheritance: Autosomal recessive inheritance. Affected: yes.

NM_013314.4(BLNK):c.361+22G>C

Gene: BLNK (B cell linker; minus strand). Cytogenetic location: 10q24.1.
Variant type: single nucleotide variant.
Coding change: c.361+22G>C on transcript NM_013314.4 (MANE Select); 22 bases into the intron after coding-DNA position 361, G replaced by C.
Molecular consequence: intron variant.
Genome position (GRCh38, 1-based): chr10:96,227,388, C>G on the plus strand (G>C on the coding strand, the complement: BLNK is on the minus strand). VCF-style: chr10-96227388-C-G. GRCh37 (hg19) VCF-style: chr10-97987144-C-G.
Other names: c.349+34G>C (NM_001258442.2); c.361+22G>C (NM_001258441.2, NM_001114094.2, NM_001258440.2).
Identifiers: ClinVar variation 1259660 (VCV001259660.5), dbSNP rs2305846, ClinGen allele CA5623491.